The following is an entry in ClinVar:

NM_152703.5(SAMD9L):c.1387del (p.Arg463fs)

Gene: SAMD9L (sterile alpha motif domain containing 9 like; minus strand). Cytogenetic location: 7q21.2.
Variant type: Deletion.
Coding change: c.1387del on transcript NM_152703.5 (MANE Select); coding-DNA position 1387, one base deleted (C; older notation c.1387delC).
Protein change: p.Arg463fs; shifts the reading frame from arginine 463.
Molecular consequence: frameshift variant.
Genome position (GRCh38, 1-based): chr7:93,134,585, G deleted on the plus strand (C on the coding strand, the reverse complement: SAMD9L is on the minus strand). VCF-style (leftmost placement, unchanged base first): chr7-93134584-CG-C. GRCh37 (hg19) VCF-style: chr7-92763897-CG-C.
Other names: c.1387del, p.Arg463fs (NM_001303496.3, NM_001303497.3, NM_001303498.3 and 5 more transcripts); short protein forms R463fs.
Identifiers: ClinVar variation 2790269 (VCV002790269.3), dbSNP rs2535428869, ClinGen allele CA456629215.
Genomic context (GRCh38, chr7:93,134,584, plus strand): 5'-TTCTCCCACATGTTAGTTGTCTTGTCTTCATATTGATTTGGAAAGTGAAGGTTTGCCACC[CG>C]ACTTTCTTTGTAAGCTTTGACCACTCCATTGATCATAGATTCAGGATCAAACTCCAACAC-3'

ClinVar aggregate classification (germline): Uncertain significance (1 of 4 stars; one submission).

Submission:

Labcorp Genetics (formerly Invitae), Labcorp
Classification: Uncertain significance. Last evaluated: 2023-07-30. Review status: criteria provided, single submitter. Criteria: Invitae Variant Classification Sherloc (09022015). Collection method: clinical testing. Allele origin: germline.
Comment: This sequence change creates a premature translational stop signal (p.Arg463Glyfs*42) in the SAMD9L gene. While this is not anticipated to result in nonsense mediated decay, it is expected to disrupt the last 1122 amino acid(s) of the SAMD9L protein. This variant is not present in population databases (gnomAD no frequency). This variant has not been reported in the literature in individuals affected with SAMD9L-related conditions. Experimental studies and prediction algorithms are not available or were not evaluated, and the functional significance of this variant is currently unknown. In summary, the available evidence is currently insufficient to determine the role of this variant in disease. Therefore, it has been classified as a Variant of Uncertain Significance.